The following is an entry in ClinVar:

ClinVar aggregate classification (germline): Benign/Likely benign. Review status: criteria provided, multiple submitters, no conflicts (2 of 4 stars). 7 submissions from 7 submitters: Benign (2); Likely benign (3). 2 of the submissions do not count toward it. Last evaluated 2026-01-29.

Conditions:
Atrioventricular septal defect 4 (AVSD4). Identifiers: MedGen C3280781, MONDO:0013747, OMIM 614430.

Allele frequency attached by ClinVar (database versions not stated): gnomAD exomes 0.00134; ESP Exome Variant Server 0.00346; gnomAD 0.00462 and 0.00483; 1000 Genomes Project 30x 0.00671; 1000 Genomes Project 0.00679.
gnomAD v4.1: 1,742 of 1,613,856 alleles (0.11%); highest among the groups gnomAD compares: African/African-American, 1.8%; 23 homozygotes.

Submissions (7):

Labcorp Genetics (formerly Invitae), Labcorp
Classification: Benign for Atrioventricular septal defect 4. Last evaluated: 2026-01-29. Review status: criteria provided, single submitter. Criteria: Invitae Variant Classification Sherloc (09022015). Collection method: clinical testing. Allele origin: germline.

Blueprint Genetics
Classification: Likely benign. Last evaluated: 2024-11-01. Review status: criteria provided, single submitter. Criteria: ACMG Guidelines, 2015. Collection method: clinical testing. Allele origin: germline.

Women's Health and Genetics/Laboratory Corporation of America, LabCorp
Classification: Benign. Last evaluated: 2021-08-23. Review status: criteria provided, single submitter. Criteria: LabCorp Variant Classification Summary - May 2015. Collection method: clinical testing. Allele origin: germline.
Comment: Variant summary: GATA4 c.1147-20G>A alters a nucleotide located close to a canonical splice site and therefore could affect mRNA splicing, leading to a significantly altered protein sequence. 4/4 computational tools predict no significant impact on normal splicing. However, these predictions have yet to be confirmed by functional studies. The variant allele was found at a frequency of 0.0013 in 249354 control chromosomes, predominantly at a frequency of 0.016 within the African or African-American subpopulation in the gnomAD database, including 2 homozygotes. The observed variant frequency within African or African-American control individuals in the gnomAD database is significantly higher than the estimated maximal expected allele frequency for a pathogenic variant in GATA4 causing Congenital Heart Disease phenotype (1.3e-06), strongly suggesting that the variant is a benign polymorphism found primarily in populations of African or African-American origin. To our knowledge, no experimental evidence demonstrating an impact on protein function has been reported. One clinical diagnostic laboratory has submitted clinical-significance assessments for this variant to ClinVar after 2014 without evidence for independent evaluation. One laboratory classified the variant as likely benign. Based on the evidence outlined above, the variant was classified as benign.

GeneDx
Classification: Likely benign. Last evaluated: 2018-10-17. Review status: criteria provided, single submitter. Criteria: GeneDx Variant Classification Process June 2021. Collection method: clinical testing. Allele origin: germline. Affected: yes.

Breakthrough Genomics
Classification: Likely benign. Review status: criteria provided, single submitter. Criteria: ACMG Guidelines, 2015. Collection method: not provided. Allele origin: germline. Inheritance: Autosomal dominant inheritance. Affected: yes.

Joint Genome Diagnostic Labs from Nijmegen and Maastricht, Radboudumc and MUMC+
Classification: Likely benign. Review status: no assertion criteria provided. Collection method: clinical testing. Allele origin: germline. Affected: yes. Study: VKGL Data-share Consensus. Not counted in ClinVar's aggregate classification.

Laboratory of Diagnostic Genome Analysis, Leiden University Medical Center (LUMC)
Classification: Likely benign. Review status: no assertion criteria provided. Collection method: clinical testing. Allele origin: germline. Affected: yes. Study: VKGL Data-share Consensus. Not counted in ClinVar's aggregate classification.

Literature cited by the submitters: PubMed 21276881 (cited by Women's Health and Genetics/Laboratory Corporation of America, LabCorp).

NM_001308093.3(GATA4):c.1150-20G>A

Gene: GATA4 (GATA binding protein 4). Cytogenetic location: 8p23.1.
Variant type: single nucleotide variant.
Coding change: c.1150-20G>A on transcript NM_001308093.3 (MANE Select); 20 bases into the intron before coding-DNA position 1150, G replaced by A.
Molecular consequence: intron variant.
Genome position (GRCh38, 1-based): chr8:11,758,273, G>A. VCF-style: chr8-11758273-G-A. GRCh37 (hg19) VCF-style: chr8-11615782-G-A.
Other names: c.529-20G>A (NM_001308094.2, NM_001374273.1); c.1147-20G>A (NM_002052.5); c.403-20G>A (NM_001374274.1).
Identifiers: ClinVar variation 1209437 (VCV001209437.17), dbSNP rs114345849, ClinGen allele CA4630870.